The following is an entry in ClinVar:

NM_000388.4(CASR):c.1868del (p.Gly623fs)

Gene: CASR (calcium sensing receptor; plus strand). Cytogenetic location: 3q21.1.
Variant type: Deletion.
Coding change: c.1868del on transcript NM_000388.4 (MANE Select); coding-DNA position 1868, one base deleted (G; older notation c.1868delG).
Protein change: p.Gly623fs; shifts the reading frame from glycine 623.
Molecular consequence: frameshift variant.
Genome position (GRCh38, 1-based): chr3:122,283,822, G deleted; the last of 3 consecutive G bases (chr3:122,283,820-122,283,822); deleting any one gives the same sequence. VCF-style (leftmost placement, unchanged base first): chr3-122283819-TG-T. GRCh37 (hg19) VCF-style: chr3-122002666-TG-T.
Other names: c.1898del, p.Gly633fs (NM_001178065.2); c.1868delG (NM_000388.4); short protein forms G623fs, G633fs.
Identifiers: ClinVar variation 1076659 (VCV001076659.10), dbSNP rs2074923990, ClinGen allele CA1052944532.
Genomic context (GRCh38, chr3:122,283,819, plus strand): 5'-AGATCGAGTTTCTGTCGTGGACGGAGCCCTTTGGGATCGCACTCACCCTCTTTGCCGTGC[TG>T]GGCATTTTCCTGACAGCCTTTGTGCTGGGTGTGTTTATCAAGTTCCGCAACACACCCATT-3'

ClinVar aggregate classification (germline): Pathogenic. Review status: criteria provided, multiple submitters, no conflicts (2 of 4 stars). 2 submissions from 2 submitters: Pathogenic (2). Last evaluated 2025-09-03.

Conditions:
Familial hypocalciuric hypercalcemia (FHH). Also called: Familial benign hypercalcemia. Identifiers: Orphanet 405, MedGen C1809471, MONDO:0018458.
Autosomal dominant hypocalcemia 1 (HYPOC1). Also called: HYPOCALCEMIA, FAMILIAL. Identifiers: MedGen C3715128, MONDO:0011013, OMIM 601198.

Submissions (2):

Labcorp Genetics (formerly Invitae), Labcorp
Classification: Pathogenic for Familial hypocalciuric hypercalcemia; Autosomal dominant hypocalcemia 1. Last evaluated: 2025-09-03. Review status: criteria provided, single submitter. Criteria: Invitae Variant Classification Sherloc (09022015). Collection method: clinical testing. Allele origin: germline.
Comment: This sequence change creates a premature translational stop signal (p.Gly623Alafs*4) in the CASR gene. While this is not anticipated to result in nonsense mediated decay, it is expected to disrupt the last 456 amino acid(s) of the CASR protein. This variant is not present in population databases (gnomAD no frequency). This variant has not been reported in the literature in individuals affected with CASR-related conditions. ClinVar contains an entry for this variant (Variation ID: 1076659). This variant disrupts a region of the CASR protein in which other variant(s) (p.W718X) have been determined to be pathogenic (PMID: 9395465, 18796518). This suggests that this is a clinically significant region of the protein, and that variants that disrupt it are likely to be disease-causing. For these reasons, this variant has been classified as Pathogenic.

Women's Health and Genetics/Laboratory Corporation of America, LabCorp
Classification: Pathogenic for Familial hypocalciuric hypercalcemia. Last evaluated: 2024-05-03. Review status: criteria provided, single submitter. Criteria: LabCorp Variant Classification Summary - May 2015. Collection method: clinical testing. Allele origin: germline.
Comment: Variant summary: CASR c.1868delG (p.Gly623AlafsX4) results in a premature termination codon, predicted to cause a truncation of the encoded protein. Variants downstream of this position have been classified as pathogenic by our laboratory and in ClinVar. The variant was absent in 251474 control chromosomes. To our knowledge, no occurrence of c.1868delG in individuals affected with Familial Hypocalciuric Hypercalcemia and no experimental evidence demonstrating its impact on protein function have been reported. ClinVar contains an entry for this variant (Variation ID: 1076659). Based on the evidence outlined above, the variant was classified as pathogenic.

Literature cited by the submitters: PubMed 9395465 (cited by Labcorp Genetics (formerly Invitae), Labcorp); PubMed 18796518 (cited by Labcorp Genetics (formerly Invitae), Labcorp).